The following is an entry in ClinVar:

ClinVar aggregate classification (germline): Conflicting classifications of pathogenicity. Review status: criteria provided, conflicting classifications (1 of 4 stars). 8 submissions from 8 submitters: Uncertain significance (5); Likely benign (2). 1 of the submissions does not count toward it. Last evaluated 2026-04-08.

Conditions:
Familial dysautonomia. Also called: HSAN III; FD. Identifiers: Orphanet 1764, MedGen C0013364, MONDO:0009131, OMIM 223900. Disease mechanism: loss of function.
Medulloblastoma (MDB). Also called: Medulloblastoma, somatic; MEDULLOBLASTOMA PREDISPOSITION SYNDROME. Identifiers: Orphanet 616, MedGen C0025149, MeSH D008527, MONDO:0007959, OMIM 155255, HP:0002885.
ELP1-related disorder. Also called: ELP1-related condition.

Allele frequency attached by ClinVar (database versions not stated): gnomAD exomes 0.00009; ExAC 0.00012; gnomAD 0.00038 and 0.00041; TOPMed 0.00038; ESP Exome Variant Server 0.00077.
gnomAD v4.1: 116 of 1,614,016 alleles (0.0072%); highest among the groups gnomAD compares: African/African-American, 0.14%; 1 homozygote.

Submissions (8):

PreventionGenetics, part of Exact Sciences
Classification: Likely benign for ELP1-related condition. Last evaluated: 2026-04-08. Review status: criteria provided, single submitter. Criteria: ACMG Guidelines, 2015. Collection method: clinical testing. Allele origin: germline.
Comment: This variant is classified as likely benign based on ACMG/AMP sequence variant interpretation guidelines (Richards et al. 2015 PMID: 25741868, with internal and published modifications).

CeGaT Center for Human Genetics Tuebingen
Classification: Likely benign. Last evaluated: 2024-11-01. Review status: criteria provided, single submitter. Criteria: CeGaT Center For Human Genetics Tuebingen Variant Classification Criteria Version 2. Collection method: clinical testing. Allele origin: germline. Affected: yes. Observed: 1 variant allele.
Comment: ELP1: BP4

Ambry Genetics
Classification: Uncertain significance. Last evaluated: 2023-07-05. Review status: criteria provided, single submitter. Criteria: Ambry Variant Classification Scheme 2023. Collection method: clinical testing. Allele origin: germline.

Labcorp Genetics (formerly Invitae), Labcorp
Classification: Uncertain significance. Last evaluated: 2022-08-16. Review status: criteria provided, single submitter. Criteria: Invitae Variant Classification Sherloc (09022015). Collection method: clinical testing. Allele origin: germline.
Comment: This sequence change replaces asparagine, which is neutral and polar, with histidine, which is basic and polar, at codon 437 of the IKBKAP protein (p.Asn437His). This variant is present in population databases (rs148609833, gnomAD 0.1%). This variant has not been reported in the literature in individuals affected with IKBKAP-related conditions. ClinVar contains an entry for this variant (Variation ID: 643142). Algorithms developed to predict the effect of missense changes on protein structure and function are either unavailable or do not agree on the potential impact of this missense change (SIFT: "Tolerated"; PolyPhen-2: "Probably Damaging"; Align-GVGD: "Class C0"). In summary, the available evidence is currently insufficient to determine the role of this variant in disease. Therefore, it has been classified as a Variant of Uncertain Significance.

Fulgent Genetics
Classification: Uncertain significance for Medulloblastoma; Familial dysautonomia. Last evaluated: 2022-02-01. Review status: criteria provided, single submitter. Criteria: ACMG Guidelines, 2015. Collection method: clinical testing. Allele origin: unknown.

Genome-Nilou Lab
Classification: Uncertain significance for Familial dysautonomia. Last evaluated: 2021-07-14. Review status: criteria provided, single submitter. Criteria: ACMG Guidelines, 2015. Collection method: clinical testing. Allele origin: germline. Affected: no.

Breakthrough Genomics
Classification: Uncertain significance. Review status: criteria provided, single submitter. Criteria: ACMG Guidelines, 2015. Collection method: not provided. Allele origin: germline. Inheritance: Autosomal recessive inheritance. Affected: yes.

Natera, Inc.
Classification: Uncertain significance for Hereditary sensory and autonomic neuropathy type III. Last evaluated: 2020-01-17. Review status: no assertion criteria provided. Collection method: clinical testing. Allele origin: germline. Not counted in ClinVar's aggregate classification.

NM_003640.5(ELP1):c.1309A>C (p.Asn437His)

Gene: ELP1 (elongator acetyltransferase complex subunit 1; minus strand). Cytogenetic location: 9q31.3.
Variant type: single nucleotide variant.
Coding change: c.1309A>C on transcript NM_003640.5 (MANE Select); coding-DNA position 1309, A replaced by C.
Protein change: p.Asn437His; replaces asparagine 437 with histidine.
Molecular consequence: missense variant.
Genome position (GRCh38, 1-based): chr9:108,911,061, T>G on the plus strand (A>C on the coding strand, the complement: ELP1 is on the minus strand). VCF-style: chr9-108911061-T-G. GRCh37 (hg19) VCF-style: chr9-111673341-T-G.
Other names: c.1309A>C (NM_003640.4, LRG_251t1); c.967A>C, p.Asn323His (NM_001318360.2); c.262A>C, p.Asn88His (NM_001330749.2); short protein forms N437H, N323H, N88H.
Identifiers: ClinVar variation 643142 (VCV000643142.25), dbSNP rs148609833, ClinGen allele CA5175059.